The following is an entry in ClinVar:

NM_002439.5(MSH3):c.1612A>G (p.Asn538Asp)

Gene: MSH3 (mutS homolog 3; plus strand). Cytogenetic location: 5q14.1.
Variant type: single nucleotide variant.
Coding change: c.1612A>G on transcript NM_002439.5 (MANE Select); coding-DNA position 1612, A replaced by G.
Protein change: p.Asn538Asp; replaces asparagine 538 with aspartic acid.
Molecular consequence: missense variant.
Genome position (GRCh38, 1-based): chr5:80,741,507, A>G. VCF-style: chr5-80741507-A-G. GRCh37 (hg19) VCF-style: chr5-80037326-A-G.
Other names: c.1612A>G (NM_002439.3); short protein forms N538D.
Identifiers: ClinVar variation 3014420 (VCV003014420.4), dbSNP rs2546760459, ClinGen allele CA360274512.

ClinVar aggregate classification (germline): Uncertain significance. Review status: criteria provided, multiple submitters, no conflicts (2 of 4 stars). 2 submissions from 2 submitters: Uncertain significance (2). Last evaluated 2023-12-28.

Conditions:
Hereditary cancer-predisposing syndrome. Also called: Neoplastic Syndromes, Hereditary; Tumor predisposition; Hereditary neoplastic syndrome; Hereditary Cancer Syndrome. Identifiers: Orphanet 140162, MedGen C0027672, MeSH D009386, MONDO:0015356.

Submissions (2):

Labcorp Genetics (formerly Invitae), Labcorp
Classification: Uncertain significance. Last evaluated: 2023-12-28. Review status: criteria provided, single submitter. Criteria: Invitae Variant Classification Sherloc (09022015). Collection method: clinical testing. Allele origin: germline.
Comment: This sequence change replaces asparagine, which is neutral and polar, with aspartic acid, which is acidic and polar, at codon 538 of the MSH3 protein (p.Asn538Asp). This variant is not present in population databases (gnomAD no frequency). This variant has not been reported in the literature in individuals affected with MSH3-related conditions. An algorithm developed to predict the effect of missense changes on protein structure and function (PolyPhen-2) suggests that this variant is likely to be tolerated. In summary, the available evidence is currently insufficient to determine the role of this variant in disease. Therefore, it has been classified as a Variant of Uncertain Significance.

Ambry Genetics
Classification: Uncertain significance for Hereditary cancer-predisposing syndrome. Last evaluated: 2023-10-13. Review status: criteria provided, single submitter. Criteria: Ambry Variant Classification Scheme 2023. Collection method: clinical testing. Allele origin: germline.
Comment: The p.N538D variant (also known as c.1612A>G), located in coding exon 11 of the MSH3 gene, results from an A to G substitution at nucleotide position 1612. The asparagine at codon 538 is replaced by aspartic acid, an amino acid with highly similar properties. This amino acid position is conserved. In addition, the in silico prediction for this alteration is inconclusive. Since supporting evidence is limited at this time, the clinical significance of this alteration remains unclear.